The following is an entry in ClinVar:

NM_004714.3(DYRK1B):c.1613C>G (p.Thr538Ser)

Gene: DYRK1B (dual specificity tyrosine phosphorylation regulated kinase 1B; minus strand). Cytogenetic location: 19q13.2.
Variant type: single nucleotide variant.
Coding change: c.1613C>G on transcript NM_004714.3 (MANE Select); coding-DNA position 1613, C replaced by G.
Protein change: p.Thr538Ser; replaces threonine 538 with serine.
Molecular consequence: missense variant.
Genome position (GRCh38, 1-based): chr19:39,825,992, G>C on the plus strand (C>G on the coding strand, the complement: DYRK1B is on the minus strand). VCF-style: chr19-39825992-G-C. GRCh37 (hg19) VCF-style: chr19-40316632-G-C.
Other names: c.1493C>G, p.Thr498Ser (NM_006483.3); c.1529C>G, p.Thr510Ser (NM_006484.3); short protein forms T498S, T510S, T538S.
Identifiers: ClinVar variation 3358348 (VCV003358348.1).

ClinVar aggregate classification (germline): Uncertain significance (0 of 4 stars; one submission).

Conditions:
DYRK1B-related disorder. Also called: DYRK1B-related condition.

gnomAD v4.1: 45 of 1,523,734 alleles (0.003%); highest among the groups gnomAD compares: Middle Eastern, 0.11%; no homozygotes.

Submission:

PreventionGenetics, part of Exact Sciences
Classification: Uncertain significance for DYRK1B-related condition. Last evaluated: 2024-09-28. Review status: no assertion criteria provided. Collection method: clinical testing. Allele origin: germline.
Comment: The DYRK1B c.1613C>G variant is predicted to result in the amino acid substitution p.Thr538Ser. To our knowledge, this variant has not been reported in the literature. This variant is reported in 0.0072% of alleles in individuals of European (Non-Finnish) descent in gnomAD. At this time, the clinical significance of this variant is uncertain due to the absence of conclusive functional and genetic evidence.